The following is an entry in ClinVar:

NM_001378418.1(TCF20):c.3322G>A (p.Val1108Ile)

Gene: TCF20 (transcription factor 20; minus strand). Cytogenetic location: 22q13.2.
Variant type: single nucleotide variant.
Coding change: c.3322G>A on transcript NM_001378418.1 (MANE Select); coding-DNA position 3322, G replaced by A.
Protein change: p.Val1108Ile; replaces valine 1108 with isoleucine.
Molecular consequence: missense variant.
Genome position (GRCh38, 1-based): chr22:42,211,984, C>T on the plus strand (G>A on the coding strand, the complement: TCF20 is on the minus strand). VCF-style: chr22-42211984-C-T. GRCh37 (hg19) VCF-style: chr22-42607990-C-T.
Other names: c.3322G>A, p.Val1108Ile (NM_005650.4, NM_181492.3); c.3322G>A (NM_005650.1); short protein forms V1108I.
Identifiers: ClinVar variation 3377731 (VCV003377731.2).
Genomic context (GRCh38, chr22:42,211,984, plus strand): 5'-ACTGCTGCTGCCTTGGACTCTTCCGTGGCCCCTCCTGCCTGTGCTGTGCTGCAGCAATTA[C>T]TCCCTGAGCAGAACCGCTGCTCCAGTCTTTATACTCCTCTGGTTGCTGTTGGTACATCTG-3'
Protein context (NP_001365347.1, residues 1098-1118): KDWSSGSAQG[Val1108Ile]IAAAQHRQEG

ClinVar aggregate classification (germline): Uncertain significance. Review status: criteria provided, multiple submitters, no conflicts (2 of 4 stars). 2 submissions from 2 submitters: Uncertain significance (2). Last evaluated 2025-02-22.

Conditions:
Inborn genetic diseases. Identifiers: MedGen C0950123, MeSH D030342.
Developmental delay with variable intellectual impairment and behavioral abnormalities. Identifiers: MedGen C5193092, MONDO:0032745, OMIM 618430.

gnomAD v4.1: 1 of 1,614,104 alleles (0.000062%); highest among the groups gnomAD compares: African/African-American, 0.0013%; no homozygotes.

Submissions (2):

Ambry Genetics
Classification: Uncertain significance for Inborn genetic diseases. Last evaluated: 2025-02-22. Review status: criteria provided, single submitter. Criteria: Ambry Variant Classification Scheme 2023. Collection method: clinical testing. Allele origin: germline.

Neuberg Centre For Genomic Medicine, NCGM
Classification: Uncertain significance for Developmental delay with variable intellectual impairment and behavioral abnormalities. Last evaluated: 2023-06-22. Review status: criteria provided, single submitter. Criteria: ACMG Guidelines, 2015. Collection method: clinical testing. Allele origin: germline. Inheritance: Autosomal dominant inheritance. Affected: yes.
Comment: The missense variant c.3322G>A (p.Val1108Ile) in the TCF20 gene has not been reported previously as a pathogenic variant nor as a benign variant, to our knowledge. This variant is absent in the gnomAD Exomes. The amino acid Val at position 1108 is changed to a Ile changing protein sequence and it might alter its composition and physico-chemical properties. Computational evidence (Polyphen, SIFT and MutationTaster) predicts conflicting evidence on protein structure and function for this variant. The amino acid change p.Val1108Ile in TCF20 is predicted as conserved by GERP++ and PhyloP across 100 vertebrates. For these reasons, this variant has been classified as Uncertain Significance.